The following is an entry in ClinVar:

NM_007274.4(ACOT7):c.143+7755T>C

Gene: ACOT7 (acyl-CoA thioesterase 7; minus strand). Cytogenetic location: 1p36.31.
Variant type: single nucleotide variant.
Coding change: c.143+7755T>C on transcript NM_007274.4 (MANE Select); 7755 bases into the intron after coding-DNA position 143, T replaced by C.
Molecular consequence: intron variant. On other transcripts: synonymous variant (1).
Genome position (GRCh38, 1-based): chr1:6,385,502, A>G on the plus strand (T>C on the coding strand, the complement: ACOT7 is on the minus strand). VCF-style: chr1-6385502-A-G. GRCh37 (hg19) VCF-style: chr1-6445562-A-G.
Other names: c.165T>C, p.Ile55= (NM_181864.3).
Identifiers: ClinVar variation 3048654 (VCV003048654.2), dbSNP rs115915823, ClinGen allele CA559611.

ClinVar aggregate classification (germline): Likely benign (0 of 4 stars; one submission).

Conditions:
ACOT7-related disorder. Also called: ACOT7-related condition.

Allele frequency attached by ClinVar (database versions not stated): 1000 Genomes Project 0.00040; 1000 Genomes Project 30x 0.00047; ESP Exome Variant Server 0.00085; gnomAD 0.00094; ExAC 0.00095; TOPMed 0.00111; gnomAD exomes 0.00132.
gnomAD v4.1: 2,061 of 1,609,826 alleles (0.13%); highest among the groups gnomAD compares: Non-Finnish European, 0.16%; 56 homozygotes.

Submission:

PreventionGenetics, part of Exact Sciences
Classification: Likely benign for ACOT7-related condition. Last evaluated: 2019-03-28. Review status: no assertion criteria provided. Collection method: clinical testing. Allele origin: germline.
Comment: This variant is classified as likely benign based on ACMG/AMP sequence variant interpretation guidelines (Richards et al. 2015 PMID: 25741868, with internal and published modifications).